The following is an entry in ClinVar:

ClinVar aggregate classification (germline): Conflicting classifications of pathogenicity. Review status: criteria provided, conflicting classifications (1 of 4 stars). 2 submissions from 2 submitters: Likely pathogenic (1); Uncertain significance (1). Last evaluated 2024-08-08.

Conditions:
Xeroderma pigmentosum (XP). Identifiers: Orphanet 910, MedGen C0043346, MONDO:0019600.

Allele frequency attached by ClinVar (database versions not stated): gnomAD exomes below 0.00001; ExAC 0.00001.
gnomAD v4.1: 1 of 1,613,370 alleles (0.000062%); highest among the groups gnomAD compares: Non-Finnish European, 0.000085%; no homozygotes.

Submissions (2):

Women's Health and Genetics/Laboratory Corporation of America, LabCorp
Classification: Likely pathogenic for Xeroderma pigmentosum. Last evaluated: 2024-08-08. Review status: criteria provided, single submitter. Criteria: LabCorp Variant Classification Summary - May 2015. Collection method: clinical testing. Allele origin: germline.
Comment: Variant summary: ERCC2 c.1805G>A (p.Gly602Asp) results in a non-conservative amino acid change located in the ATP-dependent helicase, C-terminal domain (IPR006555) of the encoded protein sequence. Five of five in-silico tools predict a damaging effect of the variant on protein function. The variant allele was found at a frequency of 4e-06 in 250824 control chromosomes. c.1805G>A has been reported in the literature in the compound heterozygous state in at least 2 individuals affected with clinical features of Xeroderma Pigmentosum and/or Cockayne syndrome (example, Broughton_1995, Takayama_1995, Zhou_2017), including at least 1 individual who carried a pathogenic variant in trans. These data indicate that the variant may be associated with disease. At least one publication reports experimental evidence evaluating an impact on protein function. Mouse embryonic fibroblasts homozygous for this variant lacked recovery of RNA synthesis (RRS) activity, and mice homozygous for this variant exhibited severe sensitivity to UV radiation, corneal opacity, and deleterious cutaneous effects in keeping with the clinical phenotype for this gene. The following publications have been ascertained in the context of this evaluation (PMID: 16904611, 17020410, 7825573, 7585650, 27607234). ClinVar contains an entry for this variant (Variation ID: 2138306). Based on the evidence outlined above, the variant was classified as likely pathogenic.

Labcorp Genetics (formerly Invitae), Labcorp
Classification: Uncertain significance. Last evaluated: 2022-04-20. Review status: criteria provided, single submitter. Criteria: Invitae Variant Classification Sherloc (09022015). Collection method: clinical testing. Allele origin: germline.
Comment: In summary, the available evidence is currently insufficient to determine the role of this variant in disease. Therefore, it has been classified as a Variant of Uncertain Significance. Experimental studies have shown that this missense change affects ERCC2 function (PMID: 7585650, 12820975, 16135823, 16904611, 17020410, 18510925, 22863773, 25431422, 25620205). Algorithms developed to predict the effect of missense changes on protein structure and function are either unavailable or do not agree on the potential impact of this missense change (SIFT: "Deleterious"; PolyPhen-2: "Probably Damaging"; Align-GVGD: "Class C0"). This missense change has been observed in individual(s) with Cockayne syndrome and/or xeroderma pigmentosum (PMID: 7585650, 27607234). This variant is present in population databases (rs771824813, gnomAD 0.0009%). This sequence change replaces glycine, which is neutral and non-polar, with aspartic acid, which is acidic and polar, at codon 602 of the ERCC2 protein (p.Gly602Asp).

Literature cited by the submitters: PubMed 27607234 (cited by Women's Health and Genetics/Laboratory Corporation of America, LabCorp and Labcorp Genetics (formerly Invitae), Labcorp); PubMed 7585650 (cited by Women's Health and Genetics/Laboratory Corporation of America, LabCorp and Labcorp Genetics (formerly Invitae), Labcorp); PubMed 7825573 (cited by Women's Health and Genetics/Laboratory Corporation of America, LabCorp); PubMed 16904611 (cited by Women's Health and Genetics/Laboratory Corporation of America, LabCorp and Labcorp Genetics (formerly Invitae), Labcorp); PubMed 17020410 (cited by Women's Health and Genetics/Laboratory Corporation of America, LabCorp and Labcorp Genetics (formerly Invitae), Labcorp); PubMed 12820975 (cited by Labcorp Genetics (formerly Invitae), Labcorp); PubMed 16135823 (cited by Labcorp Genetics (formerly Invitae), Labcorp); PubMed 18510925 (cited by Labcorp Genetics (formerly Invitae), Labcorp); PubMed 22863773 (cited by Labcorp Genetics (formerly Invitae), Labcorp); PubMed 25431422 (cited by Labcorp Genetics (formerly Invitae), Labcorp); PubMed 25620205 (cited by Labcorp Genetics (formerly Invitae), Labcorp).

NM_000400.4(ERCC2):c.1805G>A (p.Gly602Asp)

Gene: ERCC2 (ERCC excision repair 2, TFIIH core complex helicase subunit; minus strand). Cytogenetic location: 19q13.32.
Variant type: single nucleotide variant.
Coding change: c.1805G>A on transcript NM_000400.4 (MANE Select); coding-DNA position 1805, G replaced by A.
Protein change: p.Gly602Asp; replaces glycine 602 with aspartic acid.
Molecular consequence: missense variant.
Genome position (GRCh38, 1-based): chr19:45,353,109, C>T on the plus strand (G>A on the coding strand, the complement: ERCC2 is on the minus strand). VCF-style: chr19-45353109-C-T. GRCh37 (hg19) VCF-style: chr19-45856367-C-T.
Other names: short protein forms G602D.
Identifiers: ClinVar variation 2138306 (VCV002138306.5), dbSNP rs771824813, ClinGen allele CA9513073.